The following is an entry in ClinVar:

NM_021976.5(RXRB):c.1194C>T (p.Ala398=)

Gene: RXRB (retinoid X receptor beta; minus strand). Cytogenetic location: 6p21.32.
Variant type: single nucleotide variant.
Coding change: c.1194C>T on transcript NM_021976.5 (MANE Select); coding-DNA position 1194, C replaced by T.
Protein change: p.Ala398=; no amino-acid change (alanine 398 retained).
Molecular consequence: synonymous variant.
Genome position (GRCh38, 1-based): chr6:33,195,632, G>A on the plus strand (C>T on the coding strand, the complement: RXRB is on the minus strand). VCF-style: chr6-33195632-G-A. GRCh37 (hg19) VCF-style: chr6-33163409-G-A.
Other names: c.1194C>T, p.Ala398= (NM_001270401.2); c.624C>T, p.Ala208= (NM_001291989.2).
Identifiers: ClinVar variation 3050300 (VCV003050300.2), dbSNP rs188577937, ClinGen allele CA3751867.

ClinVar aggregate classification (germline): Likely benign (0 of 4 stars; one submission).

Conditions:
RXRB-related disorder. Also called: RXRB-related condition.

Allele frequency attached by ClinVar (database versions not stated): gnomAD exomes 0.00011; gnomAD 0.00013; ExAC 0.00023; TOPMed 0.00023; 1000 Genomes Project 0.00060; 1000 Genomes Project 30x 0.00062.
gnomAD v4.1: 194 of 1,613,058 alleles (0.012%); highest among the groups gnomAD compares: East Asian, 0.33%; no homozygotes.

Submission:

PreventionGenetics, part of Exact Sciences
Classification: Likely benign for RXRB-related condition. Last evaluated: 2019-07-10. Review status: no assertion criteria provided. Collection method: clinical testing. Allele origin: germline.
Comment: This variant is classified as likely benign based on ACMG/AMP sequence variant interpretation guidelines (Richards et al. 2015 PMID: 25741868, with internal and published modifications).